The following is an entry in ClinVar:

NM_001354483.2(CSGALNACT1):c.1427G>A (p.Trp476Ter)

Gene: CSGALNACT1 (chondroitin sulfate N-acetylgalactosaminyltransferase 1; minus strand). Cytogenetic location: 8p21.3.
Variant type: single nucleotide variant.
Coding change: c.1427G>A on transcript NM_001354483.2 (MANE Select); coding-DNA position 1427, G replaced by A.
Protein change: p.Trp476Ter; replaces tryptophan 476 with a stop codon.
Molecular consequence: nonsense. On other transcripts: non-coding transcript variant (7).
Genome position (GRCh38, 1-based): chr8:19,405,952, C>T on the plus strand (G>A on the coding strand, the complement: CSGALNACT1 is on the minus strand). VCF-style: chr8-19405952-C-T. GRCh37 (hg19) VCF-style: chr8-19263463-C-T.
Other names: c.1427G>A, p.Trp476Ter (NM_001354494.2, NM_001354495.2, NM_001354496.2 and 18 more transcripts); short protein forms W476*.
Identifiers: ClinVar variation 1507039 (VCV001507039.6), dbSNP rs2153657758, ClinGen allele CA370458864.

ClinVar aggregate classification (germline): Uncertain significance (1 of 4 stars; one submission).

Submission:

Labcorp Genetics (formerly Invitae), Labcorp
Classification: Uncertain significance. Last evaluated: 2021-07-22. Review status: criteria provided, single submitter. Criteria: Invitae Variant Classification Sherloc (09022015). Collection method: clinical testing. Allele origin: germline.
Comment: This variant has not been reported in the literature in individuals affected with CSGALNACT1-related conditions. This variant is not present in population databases (ExAC no frequency). This sequence change creates a premature translational stop signal (p.Trp476*) in the CSGALNACT1 gene. While this is not anticipated to result in nonsense mediated decay, it is expected to disrupt the last 57 amino acid(s) of the CSGALNACT1 protein. Experimental studies and prediction algorithms are not available or were not evaluated, and the functional significance of this variant is currently unknown. In summary, the available evidence is currently insufficient to determine the role of this variant in disease. Therefore, it has been classified as a Variant of Uncertain Significance. Algorithms developed to predict the effect of sequence changes on RNA splicing suggest that this variant may create or strengthen a splice site.